The following is an entry in ClinVar:

ClinVar aggregate classification (germline): Likely benign (1 of 4 stars; one submission).

Conditions:
Developmental delay, impaired speech, and behavioral abnormalities. Identifiers: MedGen C5561957, MONDO:0859178, OMIM 619475.

Submission:

Centre for Medical Genetics,  Mumbai
Classification: Likely benign for Developmental delay, impaired speech, and behavioral abnormalities. Last evaluated: 2026-02-17. Review status: criteria provided, single submitter. Criteria: ACMG Guidelines, 2015. Collection method: provider interpretation. Allele origin: germline. Inheritance: Autosomal dominant inheritance. Affected: no. Observed: 1 heterozygote.
Comment: The variant satisfies PM2 criteria; extremely low frequency in gnomAD population databases. The variant satisfies PP2 criteria; missense variant in a gene with low rate of benign missense mutations and for which missense mutation is a common mechanism of a disease The variant satisfies PP3 criteria; for a missense or a splicing region variant, computational prediction tools unanimously support a deleterious effect on the gene. However, the variant satisfies the BS2 criteria.

Literature cited by the submitters: PubMed 34211179.

NM_003128.3(SPTBN1):c.295A>G (p.Arg99Gly)

Gene: SPTBN1 (spectrin beta, non-erythrocytic 1; plus strand). Cytogenetic location: 2p16.2.
Variant type: single nucleotide variant.
Coding change: c.295A>G on transcript NM_003128.3 (MANE Select); coding-DNA position 295, A replaced by G.
Protein change: p.Arg99Gly; replaces arginine 99 with glycine.
Molecular consequence: missense variant.
Genome position (GRCh38, 1-based): chr2:54,599,238, A>G. VCF-style: chr2-54599238-A-G. GRCh37 (hg19) VCF-style: chr2-54826375-A-G.
Other names: c.256A>G, p.Arg86Gly (NM_178313.3); short protein forms R86G, R99G.
Identifiers: ClinVar variation 4795863 (VCV004795863.1).